The following is an entry in ClinVar:

NM_000548.5(TSC2):c.3126G>A (p.Pro1042=)

Gene: TSC2 (TSC complex subunit 2; plus strand). Cytogenetic location: 16p13.3.
Variant type: single nucleotide variant.
Coding change: c.3126G>A on transcript NM_000548.5 (MANE Select); coding-DNA position 3126, G replaced by A.
Protein change: p.Pro1042=; no amino-acid change (proline 1042 retained).
Molecular consequence: synonymous variant.
Genome position (GRCh38, 1-based): chr16:2,079,191, G>A. VCF-style: chr16-2079191-G-A. GRCh37 (hg19) VCF-style: chr16-2129192-G-A.
Other names: c.3126G>A (NM_000548.4); c.2994G>A, p.Pro998= (NM_001077183.3, NM_001370404.1); c.3126G>A, p.Pro1042= (NM_001114382.3); c.2886G>A, p.Pro962= (NM_001318827.2); c.2850G>A, p.Pro950= (NM_001318829.2); c.2394G>A, p.Pro798= (NM_001318831.2); c.3027G>A, p.Pro1009= (NM_001318832.2); c.2997G>A, p.Pro999= (NM_001363528.2, NM_001370405.1, NM_021055.3).
Identifiers: ClinVar variation 378786 (VCV000378786.20), dbSNP rs36078782, ClinGen allele CA044296.
Genomic context (GRCh38, chr16:2,079,191, plus strand): 5'-CACGGAAACCTGTCTGGACATGATGGCTCGATACGTCTTCTCCAACTTCACGGCTGTCCC[G>A]AAGAGGTCCAGGCGGCACTACAGGGCTGGGCGGGCCTGCGGGAGCTCCACGGGCAAGCTG-3'
Protein context (NP_000539.2, residues 1032-1052): RYVFSNFTAV[Pro1042=]KRSPVGEFLL

ClinVar aggregate classification (germline): Benign/Likely benign. Review status: criteria provided, multiple submitters, no conflicts (2 of 4 stars). 8 submissions from 8 submitters: Benign (3); Likely benign (5). Last evaluated 2026-01-21.

Conditions:
Hereditary cancer-predisposing syndrome. Also called: Tumor predisposition; Neoplastic Syndromes, Hereditary; Hereditary neoplastic syndrome; Hereditary Cancer Syndrome. Identifiers: Orphanet 140162, MedGen C0027672, MeSH D009386, MONDO:0015356.
Tuberous sclerosis syndrome (TSC). Also called: Tuberous sclerosis; Tuberous Sclerosis Complex. Identifiers: Orphanet 805, MedGen C0041341, MONDO:0001734.
Tuberous sclerosis 2 (TSC2). Identifiers: Orphanet 805, MedGen C1860707, MONDO:0013199, OMIM 613254.

gnomAD v4.1: 42 of 1,612,872 alleles (0.0026%); highest among the groups gnomAD compares: African/African-American, 0.029%; no homozygotes.

Submissions (8):

Labcorp Genetics (formerly Invitae), Labcorp
Classification: Benign for Tuberous sclerosis 2. Last evaluated: 2026-01-21. Review status: criteria provided, single submitter. Criteria: Invitae Variant Classification Sherloc (09022015). Collection method: clinical testing. Allele origin: germline.

Myriad Genetics, Inc.
Classification: Benign for Tuberous sclerosis 2. Last evaluated: 2025-05-28. Review status: criteria provided, single submitter. Criteria: Myriad Autosomal Dominant, Autosomal Recessive and X-Linked Classification Criteria (2023). Collection method: clinical testing. Allele origin: unknown.
Comment: This variant is considered benign. This variant is a silent/synonymous amino acid change and it is not expected to impact splicing.

KCCC/NGS Laboratory, Kuwait Cancer Control Center
Classification: Likely benign for Tuberous sclerosis 2. Last evaluated: 2023-07-07. Review status: criteria provided, single submitter. Criteria: ACMG Guidelines, 2015. Collection method: clinical testing. Allele origin: germline. Affected: yes.

Color Diagnostics, LLC DBA Color Health
Classification: Likely benign for Tuberous sclerosis syndrome. Last evaluated: 2022-09-28. Review status: criteria provided, single submitter. Criteria: ACMG Guidelines, 2015. Collection method: clinical testing. Allele origin: germline.

Genome-Nilou Lab
Classification: Benign for Tuberous sclerosis 2. Last evaluated: 2021-11-07. Review status: criteria provided, single submitter. Criteria: ACMG Guidelines, 2015. Collection method: clinical testing. Allele origin: germline. Affected: no.

Blueprint Genetics
Classification: Likely benign. Last evaluated: 2021-08-16. Review status: criteria provided, single submitter. Criteria: ACMG Guidelines, 2015. Collection method: clinical testing. Allele origin: germline.

GeneDx
Classification: Likely benign. Last evaluated: 2016-07-21. Review status: criteria provided, single submitter. Criteria: GeneDx Variant Classification (06012015). Collection method: clinical testing. Allele origin: germline. Affected: yes.
Comment: This variant is considered likely benign or benign based on one or more of the following criteria: it is a conservative change, it occurs at a poorly conserved position in the protein, it is predicted to be benign by multiple in silico algorithms, and/or has population frequency not consistent with disease.

Ambry Genetics
Classification: Likely benign for Hereditary cancer-predisposing syndrome. Last evaluated: 2016-03-02. Review status: criteria provided, single submitter. Criteria: Ambry Variant Classification Scheme 2023. Collection method: clinical testing. Allele origin: germline.